The following is an entry in ClinVar:

ClinVar aggregate classification (germline): Uncertain significance. Review status: criteria provided, single submitter (1 of 4 stars). 2 submissions from 2 submitters: Uncertain significance (1). 1 of the submissions does not count toward it. Last evaluated 2025-08-03.

Conditions:
MYOM2-related disorder. Also called: MYOM2-related condition.

Allele frequency attached by ClinVar (database versions not stated): ExAC 0.00061; 1000 Genomes Project 30x 0.00156; 1000 Genomes Project 0.00160; gnomAD 0.00205; ESP Exome Variant Server 0.00308.
gnomAD v4.1: 603 of 1,614,038 alleles (0.037%); highest among the groups gnomAD compares: African/African-American, 0.71%; 1 homozygote.

Submissions (2):

Ambry Genetics
Classification: Uncertain significance. Last evaluated: 2025-08-03. Review status: criteria provided, single submitter. Criteria: Ambry Variant Classification Scheme 2023. Collection method: clinical testing. Allele origin: germline.

PreventionGenetics, part of Exact Sciences
Classification: Likely benign for MYOM2-related condition. Last evaluated: 2019-03-25. Review status: no assertion criteria provided. Collection method: clinical testing. Allele origin: germline. Not counted in ClinVar's aggregate classification.
Comment: This variant is classified as likely benign based on ACMG/AMP sequence variant interpretation guidelines (Richards et al. 2015 PMID: 25741868, with internal and published modifications).

NM_003970.4(MYOM2):c.550G>A (p.Val184Met)

Gene: MYOM2 (myomesin 2; plus strand). Cytogenetic location: 8p23.3.
Variant type: single nucleotide variant.
Coding change: c.550G>A on transcript NM_003970.4 (MANE Select); coding-DNA position 550, G replaced by A.
Protein change: p.Val184Met; replaces valine 184 with methionine.
Molecular consequence: missense variant.
Genome position (GRCh38, 1-based): chr8:2,057,770, G>A. VCF-style: chr8-2057770-G-A. GRCh37 (hg19) VCF-style: chr8-2005888-G-A.
Other names: c.550G>A (NM_003970.2); short protein forms V184M.
Identifiers: ClinVar variation 3045572 (VCV003045572.3), dbSNP rs149971827, ClinGen allele CA170442184.
Genomic context (GRCh38, chr8:2,057,770, plus strand): 5'-ACCGTCTGGGAGAGGATGTCTGTGAAACTCTGCTTCACCGTGCAAGGATTTCCCACGCCC[G>A]TGGTGCAGTGGTGAGGGGCTCTGTTCCCAGGGGGTGAAGAAGTCCATTCTGCGTTTTCTT-3'
Protein context (NP_003961.3, residues 174-194): CFTVQGFPTP[Val184Met]VQWYKDGSLI